The following is an entry in ClinVar:

ClinVar aggregate classification (germline): Uncertain significance (1 of 4 stars; one submission).

Conditions:
Immunodeficiency 51 (IMD51). Also called: CANDIDIASIS, FAMILIAL, 5. Identifiers: Orphanet 1334, MedGen C4310803, MONDO:0013500, OMIM 613953.

gnomAD v4.1: 9 of 1,613,894 alleles (0.00056%); highest among the groups gnomAD compares: South Asian, 0.0055%; no homozygotes.

Submission:

Labcorp Genetics (formerly Invitae), Labcorp
Classification: Uncertain significance for Immunodeficiency 51. Last evaluated: 2022-10-08. Review status: criteria provided, single submitter. Criteria: Invitae Variant Classification Sherloc (09022015). Collection method: clinical testing. Allele origin: germline.
Comment: ClinVar contains an entry for this variant (Variation ID: 1359260). In summary, the available evidence is currently insufficient to determine the role of this variant in disease. Therefore, it has been classified as a Variant of Uncertain Significance. Variants that disrupt the consensus splice site are a relatively common cause of aberrant splicing (PMID: 17576681, 9536098). Algorithms developed to predict the effect of sequence changes on RNA splicing suggest that this variant is not likely to affect RNA splicing. This variant has not been reported in the literature in individuals affected with IL17RA-related conditions. This variant is present in population databases (rs762449094, gnomAD 0.01%). This sequence change falls in intron 9 of the IL17RA gene. It does not directly change the encoded amino acid sequence of the IL17RA protein. It affects a nucleotide within the consensus splice site.

Literature cited by the submitters: PubMed 17576681; PubMed 9536098.

NM_014339.7(IL17RA):c.931+6G>A

Gene: IL17RA (interleukin 17 receptor A; plus strand). Cytogenetic location: 22q11.1.
Variant type: single nucleotide variant.
Coding change: c.931+6G>A on transcript NM_014339.7 (MANE Select); 6 bases into the intron after coding-DNA position 931, G replaced by A.
Molecular consequence: intron variant.
Genome position (GRCh38, 1-based): chr22:17,104,816, G>A. VCF-style: chr22-17104816-G-A. GRCh37 (hg19) VCF-style: chr22-17585706-G-A.
Other names: c.931+6G>A (NM_001289905.2).
Identifiers: ClinVar variation 1359260 (VCV001359260.6), dbSNP rs762449094, ClinGen allele CA10086545.
Genomic context (GRCh38, chr22:17,104,816, plus strand): 5'-GACTGCCTCAGACACTCCGCGACTGTTTCCTGCCCAGAAATGCCAGACACTCCAGGTAGG[G>A]GACATGCGGCTGTCCTAGGCCATACTGGGAGAACAAGTGGCTGAAGGCCCCCAGCCTGTG-3'